The following is an entry in ClinVar:

ClinVar aggregate classification (germline): Uncertain significance (1 of 4 stars; one submission).

Conditions:
Medium-chain acyl-coenzyme A dehydrogenase deficiency (ACADMD). Also called: MCADD; Medium chain acyl-CoA dehydrogenase deficiency; ACADM DEFICIENCY; MCAD Deficiency; MCADH DEFICIENCY; CARNITINE DEFICIENCY SECONDARY TO MEDIUM-CHAIN ACYL-CoA DEHYDROGENASE DEFICIENCY. Identifiers: Orphanet 42, MedGen C0220710, MONDO:0008721, OMIM 201450.

Allele frequency attached by ClinVar (database versions not stated): TOPMed below 0.00001; gnomAD 0.00001.

Submission:

Labcorp Genetics (formerly Invitae), Labcorp
Classification: Uncertain significance for Medium-chain acyl-coenzyme A dehydrogenase deficiency. Last evaluated: 2021-08-12. Review status: criteria provided, single submitter. Criteria: Invitae Variant Classification Sherloc (09022015). Collection method: clinical testing. Allele origin: germline.
Comment: This variant, c.271_273del, results in the deletion of 1 amino acid(s) of the ACADM protein (p.Ile91del), but otherwise preserves the integrity of the reading frame. This variant is not present in population databases (ExAC no frequency). This variant has been observed in individual(s) with a positive newborn screening result for ACADM-related disease (Invitae). Experimental studies and prediction algorithms are not available or were not evaluated, and the functional significance of this variant is currently unknown. In summary, the available evidence is currently insufficient to determine the role of this variant in disease. Therefore, it has been classified as a Variant of Uncertain Significance.

NM_000016.6(ACADM):c.271_273del (p.Ile91del)

Gene: ACADM (acyl-CoA dehydrogenase medium chain; plus strand). Cytogenetic location: 1p31.1.
Variant type: Deletion.
Coding change: c.271_273del on transcript NM_000016.6 (MANE Select); coding-DNA positions 271 to 273, 3 bases deleted (ATT; older notation c.271_273delATT).
Protein change: p.Ile91del; deletes isoleucine 91.
Molecular consequence: inframe deletion. On other transcripts: 5 prime UTR variant (1).
Genome position (GRCh38, 1-based): chr1:75,732,907-75,732,909, ATT deleted. VCF-style (leftmost placement, unchanged base first): chr1-75732906-CATT-C. GRCh37 (hg19) VCF-style: chr1-76198591-CATT-C.
Other names: c.283_285del, p.Ile95del (NM_001127328.3); c.-115_-113del (NM_001286044.2); c.163_165del, p.Ile55del (NM_001286042.2); c.271_273del, p.Ile91del (NM_001286043.2); short protein forms I55del, I91del, I95del.
Identifiers: ClinVar variation 1502008 (VCV001502008.5), dbSNP rs1463718964, ClinGen allele CA524230331.